The following is an entry in ClinVar:

NM_001184880.2(PCDH19):c.2250C>A (p.Asp750Glu)

Genes: PCDH19 (protocadherin 19; minus strand), LOC125467768 (CDK7 strongly-dependent group 2 enhancer GRCh37_chrX:99657381-99658580; plus strand). Cytogenetic location: Xq22.1.
Variant type: single nucleotide variant.
Coding change: c.2250C>A on transcript NM_001184880.2 (MANE Select); coding-DNA position 2250, C replaced by A.
Protein change: p.Asp750Glu; replaces aspartic acid 750 with glutamic acid.
Molecular consequence: missense variant. On other transcripts: intron variant (2).
Genome position (GRCh38, 1-based): chrX:100,403,562, G>T on the plus strand (C>A on the coding strand, the complement: PCDH19 is on the minus strand). VCF-style: chrX-100403562-G-T. GRCh37 (hg19) VCF-style: chrX-99658560-G-T.
Other names: c.2148-711C>A (NM_020766.3, NM_001105243.2); short protein forms D750E.
Identifiers: ClinVar variation 1481744 (VCV001481744.8), dbSNP rs778640450, ClinGen allele CA10468795.

ClinVar aggregate classification (germline): Uncertain significance (1 of 4 stars; one submission).

Conditions:
Developmental and epileptic encephalopathy, 9 (DEE9). Also called: EPILEPSY, FEMALE-RESTRICTED, WITH MENTAL RETARDATION; JUBERG-HELLMAN SYNDROME; Early infantile epileptic encephalopathy 9; PCDH19-Related X-Linked Female-Limited Epilepsy with Mental Retardation. Identifiers: Orphanet 101039, Orphanet 2076, MedGen C1848137, MONDO:0010246, OMIM 300088. Disease mechanism: loss of function.

Allele frequency attached by ClinVar (database versions not stated): gnomAD exomes 0.00001 and 0.00002; ExAC 0.00003.

Submission:

Labcorp Genetics (formerly Invitae), Labcorp
Classification: Uncertain significance for Developmental and epileptic encephalopathy, 9. Last evaluated: 2024-02-23. Review status: criteria provided, single submitter. Criteria: Invitae Variant Classification Sherloc (09022015). Collection method: clinical testing. Allele origin: germline.
Comment: This sequence change replaces aspartic acid, which is acidic and polar, with glutamic acid, which is acidic and polar, at codon 750 of the PCDH19 protein (p.Asp750Glu). The frequency data for this variant in the population databases is considered unreliable, as metrics indicate poor data quality at this position in the gnomAD database. This variant has not been reported in the literature in individuals affected with PCDH19-related conditions. ClinVar contains an entry for this variant (Variation ID: 1481744). Advanced modeling of protein sequence and biophysical properties (such as structural, functional, and spatial information, amino acid conservation, physicochemical variation, residue mobility, and thermodynamic stability) performed at Invitae indicates that this missense variant is not expected to disrupt PCDH19 protein function with a negative predictive value of 95%. In summary, the available evidence is currently insufficient to determine the role of this variant in disease. Therefore, it has been classified as a Variant of Uncertain Significance.